The following is an entry in ClinVar:

ClinVar aggregate classification (germline): Uncertain significance. Review status: criteria provided, multiple submitters, no conflicts (2 of 4 stars). 3 submissions from 3 submitters: Uncertain significance (3). Last evaluated 2025-05-07.

Conditions:
Van Maldergem syndrome 2 (VMLDS2). Identifiers: Orphanet 314679, MedGen C3809875, MONDO:0014242, OMIM 615546.
Inborn genetic diseases. Identifiers: MedGen C0950123, MeSH D030342.

Allele frequency attached by ClinVar (database versions not stated): TOPMed 0.00003; gnomAD exomes 0.00002; ExAC 0.00003; gnomAD 0.00005.
gnomAD v4.1: 17 of 1,613,920 alleles (0.0011%); highest among the groups gnomAD compares: African/African-American, 0.017%; no homozygotes.

Submissions (3):

Ambry Genetics
Classification: Uncertain significance for Inborn genetic diseases. Last evaluated: 2025-05-07. Review status: criteria provided, single submitter. Criteria: Ambry Variant Classification Scheme 2023. Collection method: clinical testing. Allele origin: germline.

Labcorp Genetics (formerly Invitae), Labcorp
Classification: Uncertain significance. Last evaluated: 2024-11-05. Review status: criteria provided, single submitter. Criteria: Invitae Variant Classification Sherloc (09022015). Collection method: clinical testing. Allele origin: germline.
Comment: This sequence change replaces glycine, which is neutral and non-polar, with tryptophan, which is neutral and slightly polar, at codon 400 of the FAT4 protein (p.Gly400Trp). This variant is present in population databases (rs760281262, gnomAD 0.01%). This variant has not been reported in the literature in individuals affected with FAT4-related conditions. ClinVar contains an entry for this variant (Variation ID: 1042598). Invitae Evidence Modeling of protein sequence and biophysical properties (such as structural, functional, and spatial information, amino acid conservation, physicochemical variation, residue mobility, and thermodynamic stability) indicates that this missense variant is not expected to disrupt FAT4 protein function with a negative predictive value of 95%. In summary, the available evidence is currently insufficient to determine the role of this variant in disease. Therefore, it has been classified as a Variant of Uncertain Significance.

Genomic Medicine Center of Excellence, King Faisal Specialist Hospital and Research Centre
Classification: Uncertain significance for Van Maldergem syndrome 2. Last evaluated: 2024-04-04. Review status: criteria provided, single submitter. Criteria: ACMG Guidelines, 2015. Collection method: clinical testing. Allele origin: germline.

NM_001291303.3(FAT4):c.1198G>T (p.Gly400Trp)

Gene: FAT4 (FAT atypical cadherin 4; plus strand). Cytogenetic location: 4q28.1.
Variant type: single nucleotide variant.
Coding change: c.1198G>T on transcript NM_001291303.3 (MANE Select); coding-DNA position 1198, G replaced by T.
Protein change: p.Gly400Trp; replaces glycine 400 with tryptophan.
Molecular consequence: missense variant.
Genome position (GRCh38, 1-based): chr4:125,317,609, G>T. VCF-style: chr4-125317609-G-T. GRCh37 (hg19) VCF-style: chr4-126238764-G-T.
Other names: c.1198G>T, p.Gly400Trp (NM_001291285.3, NM_024582.6); c.1198G>T (NM_024582.5, NM_024582.4); short protein forms G400W.
Identifiers: ClinVar variation 1042598 (VCV001042598.5), dbSNP rs760281262, ClinGen allele CA3071939.